The following is an entry in ClinVar:

NM_022041.4(GAN):c.633G>C (p.Lys211Asn)

Gene: GAN (gigaxonin; plus strand). Cytogenetic location: 16q23.2.
Variant type: single nucleotide variant.
Coding change: c.633G>C on transcript NM_022041.4 (MANE Select); coding-DNA position 633, G replaced by C.
Protein change: p.Lys211Asn; replaces lysine 211 with asparagine.
Molecular consequence: missense variant. On other transcripts: 5 prime UTR variant (1).
Genome position (GRCh38, 1-based): chr16:81,354,755, G>C. VCF-style: chr16-81354755-G-C. GRCh37 (hg19) VCF-style: chr16-81388360-G-C.
Other names: c.-7G>C (NM_001377486.1); short protein forms K211N.
Identifiers: ClinVar variation 577413 (VCV000577413.6), dbSNP rs201676105, ClinGen allele CA284303799.

ClinVar aggregate classification (germline): Uncertain significance (1 of 4 stars; one submission).

Conditions:
Giant axonal neuropathy 1 (GAN1). Also called: GIANT AXONAL NEUROPATHY 1, AUTOSOMAL RECESSIVE; GAN-Related Neurodegeneration. Identifiers: Orphanet 643, MedGen C1850386, MONDO:0009749, OMIM 256850.

Allele frequency attached by ClinVar (database versions not stated): gnomAD exomes below 0.00001.
gnomAD v4.1: 1 of 1,534,708 alleles (0.000065%); highest among the groups gnomAD compares: Non-Finnish European, 0.00009%; no homozygotes.

Submission:

Labcorp Genetics (formerly Invitae), Labcorp
Classification: Uncertain significance for Giant axonal neuropathy 1. Last evaluated: 2018-05-03. Review status: criteria provided, single submitter. Criteria: Invitae Variant Classification Sherloc (09022015). Collection method: clinical testing. Allele origin: germline.
Comment: This sequence change replaces lysine with asparagine at codon 211 of the GAN protein (p.Lys211Asn). The lysine residue is highly conserved and there is a moderate physicochemical difference between lysine and asparagine. This variant also falls at the last nucleotide of exon 3 of the GAN coding sequence, which is part of the consensus splice site for this exon. This variant is not present in population databases (ExAC no frequency). This variant has not been reported in the literature in individuals with GAN-related disease. Algorithms developed to predict the effect of missense changes on protein structure and function (SIFT, PolyPhen-2, Align-GVGD) all suggest that this variant is likely to be disruptive, but these predictions have not been confirmed by published functional studies and their clinical significance is uncertain. Nucleotide substitutions within the consensus splice site are a relatively common cause of aberrant splicing (PMID: 17576681, 9536098). Algorithms developed to predict the effect of sequence changes on RNA splicing suggest that this variant may disrupt the consensus splice site, but this prediction has not been confirmed by published transcriptional studies. In summary, the available evidence is currently insufficient to determine the role of this variant in disease. Therefore, it has been classified as a Variant of Uncertain Significance.

Literature cited by the submitters: PubMed 17576681; PubMed 9536098.